The following is an entry in ClinVar:

ClinVar aggregate classification (germline): Uncertain significance (1 of 4 stars; one submission).

Submission:

Ambry Genetics
Classification: Uncertain significance. Last evaluated: 2025-09-29. Review status: criteria provided, single submitter. Criteria: Ambry Variant Classification Scheme 2023. Collection method: clinical testing. Allele origin: germline.
Comment: The p.S586I variant (also known as c.1757G>T), located in coding exon 13 of the GEN1 gene, results from a G to T substitution at nucleotide position 1757. The serine at codon 586 is replaced by isoleucine, an amino acid with dissimilar properties. This amino acid position is conserved. In addition, this alteration is predicted to be tolerated by in silico analysis. Based on the available evidence, the clinical significance of this variant remains unclear.

NM_001130009.3(GEN1):c.1757G>T (p.Ser586Ile)

Gene: GEN1 (GEN1 structure-specific endonuclease; plus strand). Cytogenetic location: 2p24.2.
Variant type: single nucleotide variant.
Coding change: c.1757G>T on transcript NM_001130009.3 (MANE Select); coding-DNA position 1757, G replaced by T.
Protein change: p.Ser586Ile; replaces serine 586 with isoleucine.
Molecular consequence: missense variant.
Genome position (GRCh38, 1-based): chr2:17,780,969, G>T. VCF-style: chr2-17780969-G-T. GRCh37 (hg19) VCF-style: chr2-17962236-G-T.
Other names: c.1757G>T, p.Ser586Ile (NM_182625.5); short protein forms S586I.
Identifiers: ClinVar variation 4671455 (VCV004671455.1).
Genomic context (GRCh38, chr2:17,780,969, plus strand): 5'-AATCTAGTCAACCCAATACCTCATCTCATAATATATCCGTGATTGCTGATCTACACTTGA[G>T]CACTATTGACTGGGAAGGTACTTCTTTTAGTAATTCTCCAGCTATTCAAAGGAATACTTT-3'
Protein context (NP_001123481.3, residues 576-596): NISVIADLHL[Ser586Ile]TIDWEGTSFS